The following is an entry in ClinVar:

ClinVar aggregate classification (germline): Likely benign. Review status: criteria provided, multiple submitters, no conflicts (2 of 4 stars). 6 submissions from 6 submitters: Likely benign (4). 2 of the submissions do not count toward it. Last evaluated 2025-11-24.

Conditions:
HGF-related disorder. Also called: HGF-related condition.

Allele frequency attached by ClinVar (database versions not stated): 1000 Genomes Project 30x 0.00016; 1000 Genomes Project 0.00020; ESP Exome Variant Server 0.00023; gnomAD 0.00028 and 0.00029; TOPMed 0.00045.
gnomAD v4.1: 194 of 1,612,560 alleles (0.012%); highest among the groups gnomAD compares: Middle Eastern, 0.18%; no homozygotes.

Submissions (6):

Labcorp Genetics (formerly Invitae), Labcorp
Classification: Likely benign. Last evaluated: 2025-11-24. Review status: criteria provided, single submitter. Criteria: Invitae Variant Classification Sherloc (09022015). Collection method: clinical testing. Allele origin: germline.

PreventionGenetics, part of Exact Sciences
Classification: Likely benign for HGF-related condition. Last evaluated: 2025-10-23. Review status: criteria provided, single submitter. Criteria: ACMG Guidelines, 2015. Collection method: clinical testing. Allele origin: germline.
Comment: This variant is classified as likely benign based on ACMG/AMP sequence variant interpretation guidelines (Richards et al. 2015 PMID: 25741868, with internal and published modifications).

GeneDx
Classification: Likely benign. Last evaluated: 2021-09-14. Review status: criteria provided, single submitter. Criteria: GeneDx Variant Classification Process June 2021. Collection method: clinical testing. Allele origin: germline. Affected: yes.

Laboratory for Molecular Medicine, Mass General Brigham Personalized Medicine
Classification: Likely benign. Last evaluated: 2012-04-30. Review status: criteria provided, single submitter. Criteria: LMM Criteria. Collection method: clinical testing. Allele origin: germline. Observed: 1 variant allele.
Comment: Asp295Asp in Exon 08 of HGF: This variant is not expected to have clinical significance because it does not alter an amino acid residue, is not located within the splice consensus sequence, and has been identified in 0.1% (2/3738) of African American chromosomes from a broad population by the NHLBI Exome Sequencing Project (dbSNP rs141751290).

Clinical Genetics DNA and cytogenetics Diagnostics Lab, Erasmus MC, Erasmus Medical Center
Classification: Likely benign. Review status: no assertion criteria provided. Collection method: clinical testing. Allele origin: germline. Affected: yes. Study: VKGL Data-share Consensus. Not counted in ClinVar's aggregate classification.

Clinical Genetics, Academic Medical Center
Classification: Likely benign. Review status: no assertion criteria provided. Collection method: clinical testing. Allele origin: germline. Affected: yes. Study: VKGL Data-share Consensus. Not counted in ClinVar's aggregate classification.

NM_000601.6(HGF):c.885C>T (p.Asp295=)

Gene: HGF (hepatocyte growth factor; minus strand). Cytogenetic location: 7q21.11.
Variant type: single nucleotide variant.
Coding change: c.885C>T on transcript NM_000601.6 (MANE Select); coding-DNA position 885, C replaced by T.
Protein change: p.Asp295=; no amino-acid change (aspartic acid 295 retained).
Molecular consequence: synonymous variant.
Genome position (GRCh38, 1-based): chr7:81,729,760, G>A on the plus strand (C>T on the coding strand, the complement: HGF is on the minus strand). VCF-style: chr7-81729760-G-A. GRCh37 (hg19) VCF-style: chr7-81359076-G-A.
Other names: c.870C>T, p.Asp290= (NM_001010932.3).
Identifiers: ClinVar variation 779919 (VCV000779919.20), dbSNP rs141751290, ClinGen allele CA4317031.